The following is an entry in ClinVar:

NM_017654.4(SAMD9):c.448A>G (p.Thr150Ala)

Gene: SAMD9 (sterile alpha motif domain containing 9; minus strand). Cytogenetic location: 7q21.2.
Variant type: single nucleotide variant.
Coding change: c.448A>G on transcript NM_017654.4 (MANE Select); coding-DNA position 448, A replaced by G.
Protein change: p.Thr150Ala; replaces threonine 150 with alanine.
Molecular consequence: missense variant.
Genome position (GRCh38, 1-based): chr7:93,105,650, T>C on the plus strand (A>G on the coding strand, the complement: SAMD9 is on the minus strand). VCF-style: chr7-93105650-T-C. GRCh37 (hg19) VCF-style: chr7-92734963-T-C.
Other names: c.448A>G, p.Thr150Ala (NM_001193307.2); short protein forms T150A.
Identifiers: ClinVar variation 5028777 (VCV005028777.1).
Genomic context (GRCh38, chr7:93,105,650, plus strand): 5'-TGAATTCATCAAATGGATATGATACACATGTCAGGTCTATGGATGGTTGCCTTTCCTTTG[T>C]ATAATCTATTTTATCTTCTATGAGCTCAACTTTTAGTGACTTAGAACCTTTAGCAGTTGT-3'
Protein context (NP_060124.2, residues 140-160): VELIEDKIDY[Thr150Ala]KERQPSIDLT

ClinVar aggregate classification (germline): Uncertain significance (1 of 4 stars; one submission).

Conditions:
Inborn genetic diseases. Identifiers: MedGen C0950123, MeSH D030342.

Submission:

Ambry Genetics
Classification: Uncertain significance for Inborn genetic diseases. Last evaluated: 2026-07-30. Review status: criteria provided, single submitter. Criteria: Ambry Variant Classification Scheme 2023. Collection method: clinical testing. Allele origin: germline.
Comment: The p.T150A variant (also known as c.448A>G), located in coding exon 1 of the SAMD9 gene, results from an A to G substitution at nucleotide position 448. The threonine at codon 150 is replaced by alanine, an amino acid with similar properties. This amino acid position is conserved. In addition, this alteration is predicted to be tolerated by in silico analysis. Based on the available evidence, the clinical significance of this variant remains unclear.